The following is an entry in ClinVar:

NM_002317.7(LOX):c.1220C>T (p.Ala407Val)

Genes: LOX (lysyl oxidase; minus strand), SRFBP1 (serum response factor binding protein 1; plus strand). Cytogenetic location: 5q23.1.
Variant type: single nucleotide variant.
Coding change: c.1220C>T on transcript NM_002317.7 (MANE Select); coding-DNA position 1220, C replaced by T.
Protein change: p.Ala407Val; replaces alanine 407 with valine.
Molecular consequence: missense variant.
Genome position (GRCh38, 1-based): chr5:122,070,080, G>A on the plus strand (C>T on the coding strand, the complement: LOX is on the minus strand). VCF-style: chr5-122070080-G-A. GRCh37 (hg19) VCF-style: chr5-121405775-G-A.
Other names: c.530C>T, p.Ala177Val (NM_001178102.2); c.329C>T, p.Ala110Val (NM_001317073.1); short protein forms A177V, A110V, A407V.
Identifiers: ClinVar variation 1386556 (VCV001386556.6), dbSNP rs1478649419, ClinGen allele CA360880171.

ClinVar aggregate classification (germline): Uncertain significance (1 of 4 stars; one submission).

Allele frequency attached by ClinVar (database versions not stated): gnomAD 0.00001; TOPMed 0.00001.
gnomAD v4.1: 9 of 1,611,578 alleles (0.00056%); highest among the groups gnomAD compares: Middle Eastern, 0.066%; no homozygotes.

Submission:

Labcorp Genetics (formerly Invitae), Labcorp
Classification: Uncertain significance. Last evaluated: 2022-12-25. Review status: criteria provided, single submitter. Criteria: Invitae Variant Classification Sherloc (09022015). Collection method: clinical testing. Allele origin: germline.
Comment: This sequence change replaces alanine, which is neutral and non-polar, with valine, which is neutral and non-polar, at codon 407 of the LOX protein (p.Ala407Val). This variant is not present in population databases (gnomAD no frequency). This variant has not been reported in the literature in individuals affected with LOX-related conditions. ClinVar contains an entry for this variant (Variation ID: 1386556). Advanced modeling of protein sequence and biophysical properties (such as structural, functional, and spatial information, amino acid conservation, physicochemical variation, residue mobility, and thermodynamic stability) has been performed at Invitae for this missense variant, however the output from this modeling did not meet the statistical confidence thresholds required to predict the impact of this variant on LOX protein function. In summary, the available evidence is currently insufficient to determine the role of this variant in disease. Therefore, it has been classified as a Variant of Uncertain Significance.